The following is an entry in ClinVar:

NM_000135.4(FANCA):c.2175_2182del (p.Phe726fs)

Gene: FANCA (FA complementation group A; minus strand). Cytogenetic location: 16q24.3.
Variant type: Deletion.
Coding change: c.2175_2182del on transcript NM_000135.4 (MANE Select); coding-DNA positions 2175 to 2182, 8 bases deleted (TTTCTGTC; older notation c.2175_2182delTTTCTGTC).
Protein change: p.Phe726fs; shifts the reading frame from phenylalanine 726.
Molecular consequence: frameshift variant.
Genome position (GRCh38, 1-based): chr16:89,770,604-89,770,611, GACAGAAA deleted on the plus strand (TTTCTGTC on the coding strand, the reverse complement: FANCA is on the minus strand); deleting any 8 consecutive bases within chr16:89,770,604-89,770,614 gives the same sequence; the c. name uses the placement nearest the transcript's 3' end. VCF-style (leftmost placement, unchanged base first): chr16-89770603-TGACAGAAA-T. GRCh37 (hg19) VCF-style: chr16-89837011-TGACAGAAA-T.
Other names: c.2175_2182del (LRG_495t1, NM_000135.2); c.2175_2182del, p.Phe726fs (NM_001286167.3); c.2175_2182delTTTCTGTC (NM_000135.3); short protein forms F726fs.
Identifiers: ClinVar variation 551576 (VCV000551576.16), dbSNP rs1555547935, ClinGen allele CA658824826.
Genomic context (GRCh38, chr16:89,770,603, plus strand): 5'-GGGAGCTGCCCGCGCCTTCACCTCTCCGGGGGAGCGACACTGGAGGCAGCCATCAGGTTC[TGACAGAAA>T]GACGTCAGCAGGAGGTCCACAGCCTGCAGAGACACAGTTCTCATGAGCGTGGTGTCCTGG-3'

ClinVar aggregate classification (germline): Pathogenic. Review status: criteria provided, multiple submitters, no conflicts (2 of 4 stars). 4 submissions from 4 submitters: Pathogenic (2). 2 of the submissions do not count toward it. Last evaluated 2025-06-18.

Conditions:
Fanconi anemia complementation group A (FANCA). Also called: Fanconi anemia, group A; FANCA-Related Fanconi Anemia. Identifiers: Orphanet 84, MedGen C3469521, MONDO:0009215, OMIM 227650.
Fanconi anemia (FA). Also called: Fanconi's anemia. Identifiers: Orphanet 84, MedGen C0015625, MeSH D005199, MONDO:0019391.

Submissions (4):

Natera, Inc.
Classification: Pathogenic for Fanconi anemia. Last evaluated: 2025-06-18. Review status: criteria provided, single submitter. Criteria: Natera Variant Classification Schema (03/2026). Collection method: clinical testing. Allele origin: germline.
Comment: The c.2175_2182delTTTCTGTC variant in FANCA is a frameshift variant predicted to shift the reading frame beginning at codon 726 and leads to a stop codon 65 codons downstream. This variant is expected to result in nonsense mediated decay, truncation, or a dysfunctional protein product. This variant is rare in the general population with a frequency below the threshold expected for the associated phenotype(s). This variant has been observed in one or more individuals affected with the associated recessive disease, as either homozygous or compound heterozygous with a second variant (PMID: 36135330). Given the available evidence, this variant is classified as Pathogenic.

Labcorp Genetics (formerly Invitae), Labcorp
Classification: Pathogenic for Fanconi anemia. Last evaluated: 2023-06-19. Review status: criteria provided, single submitter. Criteria: Invitae Variant Classification Sherloc (09022015). Collection method: clinical testing. Allele origin: germline.
Comment: This sequence change creates a premature translational stop signal (p.Phe726Glufs*65) in the FANCA gene. It is expected to result in an absent or disrupted protein product. Loss-of-function variants in FANCA are known to be pathogenic (PMID: 19367192). This variant is not present in population databases (gnomAD no frequency). This premature translational stop signal has been observed in individual(s) with clinical features of FANCA-related conditions (PMID: 21520333). ClinVar contains an entry for this variant (Variation ID: 551576). For these reasons, this variant has been classified as Pathogenic.

Leiden Open Variation Database
Classification: Uncertain significance for Fanconi anemia complementation group A. Last evaluated: 2020-02-28. Review status: no assertion criteria provided. Collection method: curation. Allele origin: germline. Affected: yes. Not counted in ClinVar's aggregate classification.
Comment: Curator: Arleen D. Auerbach. Submitter to LOVD: Arleen D. Auerbach.

Counsyl
Classification: Likely pathogenic for Fanconi anemia complementation group A. Last evaluated: 2017-04-18. Review status: no assertion criteria provided. Collection method: clinical testing. Allele origin: unknown. Not counted in ClinVar's aggregate classification.

Literature cited by the submitters: PubMed 36135330 (cited by Natera, Inc.); PubMed 19367192 (cited by Labcorp Genetics (formerly Invitae), Labcorp); PubMed 21520333 (cited by Labcorp Genetics (formerly Invitae), Labcorp).